The following is an entry in ClinVar:

ClinVar aggregate classification (germline): Pathogenic/Likely pathogenic. Review status: criteria provided, multiple submitters, no conflicts (2 of 4 stars). 2 submissions from 2 submitters: Pathogenic (1); Likely pathogenic (1). Last evaluated 2026-01-05.

Conditions:
Charlevoix-Saguenay spastic ataxia (SACS). Also called: Spastic ataxia of Charlevoix-Saguenay; SPASTIC ATAXIA 6, AUTOSOMAL RECESSIVE; AUTOSOMAL RECESSIVE SPASTIC ATAXIA OF CHARLEVOIX-SAGUENAY. Identifiers: Orphanet 98, MedGen C1849140, MONDO:0010041, OMIM 270550.

Allele frequency attached by ClinVar (database versions not stated): gnomAD exomes below 0.00001; ExAC 0.00001.

Submissions (2):

Natera, Inc.
Classification: Likely pathogenic for Charlevoix-Saguenay type spastic ataxia. Last evaluated: 2026-01-05. Review status: criteria provided, single submitter. Criteria: Natera Variant Classification Schema (03/2026). Collection method: clinical testing. Allele origin: germline.
Comment: The c.4299G>A variant in SACS is a nonsense variant predicted to introduce a stop codon at amino acid 1433. This variant is expected to result in nonsense mediated decay, truncation, or a dysfunctional protein product. This variant is rare in the general population with a frequency below the threshold expected for the associated phenotype(s). Given the available evidence, this variant is classified as Likely Pathogenic.

Athena Diagnostics
Classification: Pathogenic. Last evaluated: 2024-09-30. Review status: criteria provided, single submitter. Criteria: Athena Diagnostics Criteria. Collection method: clinical testing. Allele origin: unknown.
Comment: The frequency of this variant in the general population is consistent with pathogenicity. This variant is not expected to cause loss of protein expression through nonsense-mediated decay. However, it disrupts a critical region of the protein, and therefore, is expected to severely disrupt its function. This variant has been identified in at least one individual tested at Athena Diagnostics with clinical features associated with this gene.

Literature cited by the submitters: PubMed 38361118 (cited by Athena Diagnostics).

NM_014363.6(SACS):c.4299G>A (p.Trp1433Ter)

Gene: SACS (sacsin molecular chaperone; minus strand). Cytogenetic location: 13q12.12.
Variant type: single nucleotide variant.
Coding change: c.4299G>A on transcript NM_014363.6 (MANE Select); coding-DNA position 4299, G replaced by A.
Protein change: p.Trp1433Ter; replaces tryptophan 1433 with a stop codon.
Molecular consequence: nonsense.
Genome position (GRCh38, 1-based): chr13:23,339,577, C>T on the plus strand (G>A on the coding strand, the complement: SACS is on the minus strand). VCF-style: chr13-23339577-C-T. GRCh37 (hg19) VCF-style: chr13-23913716-C-T.
Other names: c.3858G>A, p.Trp1286Ter (NM_001278055.2); c.4299G>A (NM_014363.5); short protein forms W1286*, W1433*.
Identifiers: ClinVar variation 995225 (VCV000995225.4), dbSNP rs768209419, ClinGen allele CA6911408.